The following is an entry in ClinVar:

ClinVar aggregate classification (germline): Uncertain significance (1 of 4 stars; one submission).

Submission:

Labcorp Genetics (formerly Invitae), Labcorp
Classification: Uncertain significance. Last evaluated: 2020-12-21. Review status: criteria provided, single submitter. Criteria: Invitae Variant Classification Sherloc (09022015). Collection method: clinical testing. Allele origin: germline.
Comment: In summary, the available evidence is currently insufficient to determine the role of this variant in disease. Therefore, it has been classified as a Variant of Uncertain Significance. Experimental studies and prediction algorithms are not available or were not evaluated, and the functional significance of this variant is currently unknown. This variant has not been reported in the literature in individuals with CACNA2D4-related conditions. This variant results in a copy number gain of the genomic region encompassing exon(s) 1-26 of the CACNA2D4 gene. This region includes the initiator codon of the gene. The 5' end of this event is unknown as it extends beyond the assayed region for this gene and therefore may encompass additional genes. The 3' boundary is likely confined to intron 26 of the CACNA2D4 gene. As the precise location of this event is unknown, it may be in tandem or it may be located elsewhere in the genome.

NC_000012.11:g.(?_1949885)_(2229616_?)dup

Genes: CACNA1C (calcium voltage-gated channel subunit alpha1 C; plus strand), CACNA2D4 (calcium voltage-gated channel auxiliary subunit alpha2delta 4; minus strand), DCP1B (decapping mRNA 1B; minus strand). Cytogenetic location: 12p13.33.
Variant type: Duplication.
Identifiers: ClinVar variation 1434649 (VCV001434649.5).